The following is an entry in ClinVar:

ClinVar aggregate classification (germline): Uncertain significance (1 of 4 stars; one submission).

Submission:

GeneDx
Classification: Uncertain significance. Last evaluated: 2025-04-23. Review status: criteria provided, single submitter. Criteria: GeneDx Variant Classification Process June 2021. Collection method: clinical testing. Allele origin: germline. Affected: yes.
Comment: Not observed at significant frequency in large population cohorts (gnomAD); In silico analysis supports that this missense variant has a deleterious effect on protein structure/function; Has not been previously published as pathogenic or benign to our knowledge

NM_144973.4(DENND5B):c.1184A>G (p.Glu395Gly)

Gene: DENND5B (DENN domain containing 5B; minus strand). Cytogenetic location: 12p11.21.
Variant type: single nucleotide variant.
Coding change: c.1184A>G on transcript NM_144973.4 (MANE Select); coding-DNA position 1184, A replaced by G.
Protein change: p.Glu395Gly; replaces glutamic acid 395 with glycine.
Molecular consequence: missense variant.
Genome position (GRCh38, 1-based): chr12:31,452,385, T>C on the plus strand (A>G on the coding strand, the complement: DENND5B is on the minus strand). VCF-style: chr12-31452385-T-C. GRCh37 (hg19) VCF-style: chr12-31605319-T-C.
Other names: c.1289A>G, p.Glu430Gly (NM_001308339.2); c.1250A>G, p.Glu417Gly (NM_001366890.1, NM_001366893.1); c.653A>G, p.Glu218Gly (NM_001366891.1); c.1184A>G, p.Glu395Gly (NM_001366892.1); short protein forms E218G, E395G, E417G, E430G.
Identifiers: ClinVar variation 4527533 (VCV004527533.1).